The following is an entry in ClinVar:

ClinVar aggregate classification (germline): Uncertain significance (1 of 4 stars; one submission).

Conditions:
Neurodevelopmental disorder. Identifiers: MedGen C1535926, MeSH D065886, MONDO:0700092.

gnomAD v4.1: 1 of 1,142,315 alleles (0.000088%); highest among the groups gnomAD compares: Non-Finnish European, 0.00012%; no homozygotes.

Submission:

Broad Center for Mendelian Genomics, Broad Institute of MIT and Harvard
Classification: Uncertain significance for Neurodevelopmental disorder. Last evaluated: 2024-11-25. Review status: criteria provided, single submitter. Criteria: ACMG Guidelines, 2015. Collection method: curation. Allele origin: germline. Inheritance: X-linked inheritance. Study: GREGoR Consortium.
Comment: The hemizygous p.Ser763Pro variant in ARHGAP6 was identified by our study in 2 siblings with a neurodevelopmental disorder. While this gene is still lacking sufficient evidence to establish a gene-disease relationship, we believe this is a possible novel gene candidate for neurodevelopmental disorders. Given the limited information about this gene-disease relationship, the significance of the p.Ser763Pro variant is uncertain. If you have any additional information about functional evidence or other individuals with this phenotype that also have variants in ARHGAP6 we encourage you to reach out to us.

NM_013427.3(ARHGAP6):c.2287T>C (p.Ser763Pro)

Gene: ARHGAP6 (Rho GTPase activating protein 6; minus strand). Cytogenetic location: Xp22.2.
Variant type: single nucleotide variant.
Coding change: c.2287T>C on transcript NM_013427.3 (MANE Select); coding-DNA position 2287, T replaced by C.
Protein change: p.Ser763Pro; replaces serine 763 with proline.
Molecular consequence: missense variant. On other transcripts: non-coding transcript variant (1).
Genome position (GRCh38, 1-based): chrX:11,139,501, A>G on the plus strand (T>C on the coding strand, the complement: ARHGAP6 is on the minus strand). VCF-style: chrX-11139501-A-G. GRCh37 (hg19) VCF-style: chrX-11157621-A-G.
Other names: NR_109776.2:n.3565T>C; c.1747T>C, p.Ser583Pro (NM_001287242.2); c.1678T>C, p.Ser560Pro (NM_013423.3); short protein forms S560P, S583P, S763P.
Identifiers: ClinVar variation 3383302 (VCV003383302.1).